The following is an entry in ClinVar:

NM_016216.4(DBR1):c.875C>T (p.Thr292Met)

Gene: DBR1 (debranching RNA lariats 1; minus strand). Cytogenetic location: 3q22.3.
Variant type: single nucleotide variant.
Coding change: c.875C>T on transcript NM_016216.4 (MANE Select); coding-DNA position 875, C replaced by T.
Protein change: p.Thr292Met; replaces threonine 292 with methionine.
Molecular consequence: missense variant.
Genome position (GRCh38, 1-based): chr3:138,163,415, G>A on the plus strand (C>T on the coding strand, the complement: DBR1 is on the minus strand). VCF-style: chr3-138163415-G-A. GRCh37 (hg19) VCF-style: chr3-137882257-G-A.
Other names: short protein forms T292M.
Identifiers: ClinVar variation 2180969 (VCV002180969.2), dbSNP rs145211141, ClinGen allele CA2635763.
Genomic context (GRCh38, chr3:138,163,415, plus strand): 5'-TGCAGGCCATTATTTTCTGGCATATTCCACAGGCGCCCAGTCACATTAATAAGATCATCC[G>A]TAGCCCTGAGAATAGTGAGCCATTCAATATCATATTCCAAGTAATCAGGAGCACTGGGGT-3'
Protein context (NP_057300.2, residues 282-302): DIEWLTILRA[Thr292Met]DDLINVTGRL

ClinVar aggregate classification (germline): Uncertain significance. Review status: criteria provided, multiple submitters, no conflicts (2 of 4 stars). 2 submissions from 2 submitters: Uncertain significance (2). Last evaluated 2024-01-02.

Allele frequency attached by ClinVar (database versions not stated): ExAC 0.00003; TOPMed 0.00005; gnomAD exomes 0.00007; gnomAD 0.00011; ESP Exome Variant Server 0.00015.
gnomAD v4.1: 115 of 1,613,600 alleles (0.0071%); highest among the groups gnomAD compares: East Asian, 0.011%; no homozygotes.

Submissions (2):

Clinical Genetics Laboratory, Skane University Hospital Lund
Classification: Uncertain significance. Last evaluated: 2024-01-02. Review status: criteria provided, single submitter. Criteria: ACMG Guidelines, 2015. Collection method: clinical testing. Allele origin: germline. Affected: yes.

Labcorp Genetics (formerly Invitae), Labcorp
Classification: Uncertain significance. Last evaluated: 2022-07-03. Review status: criteria provided, single submitter. Criteria: Invitae Variant Classification Sherloc (09022015). Collection method: clinical testing. Allele origin: germline.
Comment: This sequence change replaces threonine, which is neutral and polar, with methionine, which is neutral and non-polar, at codon 292 of the DBR1 protein (p.Thr292Met). This variant is present in population databases (rs145211141, gnomAD 0.02%). This variant has not been reported in the literature in individuals affected with DBR1-related conditions. Algorithms developed to predict the effect of missense changes on protein structure and function are either unavailable or do not agree on the potential impact of this missense change (SIFT: "Deleterious"; PolyPhen-2: "Probably Damaging"; Align-GVGD: "Class C0"). In summary, the available evidence is currently insufficient to determine the role of this variant in disease. Therefore, it has been classified as a Variant of Uncertain Significance.